The following is an entry in ClinVar:

NM_001080449.3(DNA2):c.-48dup

Gene: DNA2 (DNA replication helicase/nuclease 2; minus strand). Cytogenetic location: 10q21.3.
Variant type: Duplication.
Coding change: c.-48dup on transcript NM_001080449.3 (MANE Select); 48 bases upstream of the start codon, one base duplicated (C; older notation c.-48dupC).
Molecular consequence: 5 prime UTR variant.
Genome position (GRCh38, 1-based): chr10:68,471,912, G duplicated on the plus strand (C on the coding strand, the reverse complement: DNA2 is on the minus strand); the first of 5 consecutive G bases (chr10:68,471,912-68,471,916); duplicating any one gives the same sequence. VCF-style (leftmost placement, unchanged base first): chr10-68471911-C-CG. GRCh37 (hg19) VCF-style: chr10-70231668-C-CG.
Identifiers: ClinVar variation 421117 (VCV000421117.1), dbSNP rs762749916, ClinGen allele CA5525428.

ClinVar aggregate classification (germline): Likely benign (1 of 4 stars; one submission).

Submission:

GeneDx
Classification: Likely benign. Last evaluated: 2017-09-27. Review status: criteria provided, single submitter. Criteria: GeneDx Variant Classification (06012015). Collection method: clinical testing. Allele origin: germline. Affected: yes.
Comment: This variant is considered likely benign or benign based on one or more of the following criteria: it is a conservative change, it occurs at a poorly conserved position in the protein, it is predicted to be benign by multiple in silico algorithms, and/or has population frequency not consistent with disease.